The following is an entry in ClinVar:

ClinVar aggregate classification (germline): Pathogenic. Review status: criteria provided, multiple submitters, no conflicts (2 of 4 stars). 2 submissions from 2 submitters: Pathogenic (2). Last evaluated 2022-10-03.

gnomAD v4.1: 5 of 1,614,100 alleles (0.00031%); highest among the groups gnomAD compares: Non-Finnish European, 0.00042%; no homozygotes.

Submissions (2):

Labcorp Genetics (formerly Invitae), Labcorp
Classification: Pathogenic. Last evaluated: 2022-10-03. Review status: criteria provided, single submitter. Criteria: Invitae Variant Classification Sherloc (09022015). Collection method: clinical testing. Allele origin: germline.
Comment: For these reasons, this variant has been classified as Pathogenic. ClinVar contains an entry for this variant (Variation ID: 285620). This variant has not been reported in the literature in individuals affected with FLNB-related conditions. This variant is not present in population databases (gnomAD no frequency). This sequence change creates a premature translational stop signal (p.Gly2206*) in the FLNB gene. It is expected to result in an absent or disrupted protein product. Loss-of-function variants in FLNB are known to be pathogenic (PMID: 14991055).

Eurofins Ntd Llc (ga)
Classification: Pathogenic. Last evaluated: 2016-01-06. Review status: criteria provided, single submitter. Criteria: EGL Classification Definitions 2015. Collection method: clinical testing. Allele origin: germline. Observed: 1 variant allele, 1 heterozygote.

Literature cited by the submitters: PubMed 14991055 (cited by Labcorp Genetics (formerly Invitae), Labcorp).

NM_001457.4(FLNB):c.6616G>T (p.Gly2206Ter)

Gene: FLNB (filamin B; plus strand). Cytogenetic location: 3p14.3.
Variant type: single nucleotide variant.
Coding change: c.6616G>T on transcript NM_001457.4 (MANE Select); coding-DNA position 6616, G replaced by T.
Protein change: p.Gly2206Ter; replaces glycine 2206 with a stop codon.
Molecular consequence: nonsense.
Genome position (GRCh38, 1-based): chr3:58,153,623, G>T. VCF-style: chr3-58153623-G-T. GRCh37 (hg19) VCF-style: chr3-58139350-G-T.
Other names: c.6709G>T, p.Gly2237Ter (NM_001164317.2); c.6583G>T, p.Gly2195Ter (NM_001164318.2); c.6544G>T, p.Gly2182Ter (NM_001164319.2); short protein forms G2206*, G2237*, G2182*, G2195*.
Identifiers: ClinVar variation 285620 (VCV000285620.10), dbSNP rs886043158, ClinGen allele CA10605184.